The following is an entry in ClinVar:

NM_001261826.3(AP3D1):c.1657A>C (p.Met553Leu)

Gene: AP3D1 (adaptor related protein complex 3 subunit delta 1; minus strand). Cytogenetic location: 19p13.3.
Variant type: single nucleotide variant.
Coding change: c.1657A>C on transcript NM_001261826.3 (MANE Select); coding-DNA position 1657, A replaced by C.
Protein change: p.Met553Leu; replaces methionine 553 with leucine.
Molecular consequence: missense variant.
Genome position (GRCh38, 1-based): chr19:2,118,657, T>G on the plus strand (A>C on the coding strand, the complement: AP3D1 is on the minus strand). VCF-style: chr19-2118657-T-G. GRCh37 (hg19) VCF-style: chr19-2118656-T-G.
Other names: c.1657A>C, p.Met553Leu (NM_001374799.1, NM_003938.8); short protein forms M553L.
Identifiers: ClinVar variation 1396394 (VCV001396394.8), dbSNP rs2018525215, ClinGen allele CA403221123.
Genomic context (GRCh38, chr19:2,118,657, plus strand): 5'-TTACCCGCTCCTGCACCTCCAGGTCTGCGCTCTGCACAAACTGGGGCAGCCGGTCCACCA[T>G]GAGCTGGGTGACGGCCTGAGCGCCCTCTGCCTCCCCGGCCTGCTCCTTCTGCTGCAGGAT-3'
Protein context (NP_001248755.1, residues 543-563): AEGAQAVTQL[Met553Leu]VDRLPQFVQS

ClinVar aggregate classification (germline): Uncertain significance (1 of 4 stars; one submission).

Allele frequency attached by ClinVar (database versions not stated): gnomAD exomes below 0.00001.
gnomAD v4.1: 2 of 1,612,838 alleles (0.00012%); highest among the groups gnomAD compares: Non-Finnish European, 0.00017%; no homozygotes.

Submission:

Labcorp Genetics (formerly Invitae), Labcorp
Classification: Uncertain significance. Last evaluated: 2021-05-20. Review status: criteria provided, single submitter. Criteria: Invitae Variant Classification Sherloc (09022015). Collection method: clinical testing. Allele origin: germline.
Comment: In summary, the available evidence is currently insufficient to determine the role of this variant in disease. Therefore, it has been classified as a Variant of Uncertain Significance. Algorithms developed to predict the effect of missense changes on protein structure and function output the following: SIFT: "Tolerated"; PolyPhen-2: "Benign"; Align-GVGD: "Class C0". The leucine amino acid residue is found in multiple mammalian species, suggesting that this missense change does not adversely affect protein function. These predictions have not been confirmed by published functional studies and their clinical significance is uncertain. This variant has not been reported in the literature in individuals with AP3D1-related conditions. This variant is not present in population databases (ExAC no frequency). This sequence change replaces methionine with leucine at codon 553 of the AP3D1 protein (p.Met553Leu). The methionine residue is moderately conserved and there is a small physicochemical difference between methionine and leucine.